The following is an entry in ClinVar:

NM_058216.3(RAD51C):c.428A>G (p.Gln143Arg)

Gene: RAD51C (RAD51 paralog C; plus strand). Cytogenetic location: 17q22.
Variant type: single nucleotide variant.
Coding change: c.428A>G on transcript NM_058216.3 (MANE Select); coding-DNA position 428, A replaced by G.
Protein change: p.Gln143Arg; replaces glutamine 143 with arginine.
Molecular consequence: missense variant.
Genome position (GRCh38, 1-based): chr17:58,696,716, A>G. VCF-style: chr17-58696716-A-G. GRCh37 (hg19) VCF-style: chr17-56774077-A-G.
Other names: p.Q143R:CAG>CGG; short protein forms Q143R.
Identifiers: ClinVar variation 128205 (VCV000128205.57), dbSNP rs587780255, ClinGen allele CA331901.

ClinVar aggregate classification (germline): Conflicting classifications of pathogenicity. Review status: criteria provided, conflicting classifications (1 of 4 stars). 20 submissions from 20 submitters: Uncertain significance (15); Likely benign (2). 3 of the submissions do not count toward it. Last evaluated 2026-01-30.

Conditions:
RAD51C-related disorder. Also called: RAD51C-related disorders; RAD51C-related condition.
Familial ovarian cancer. Identifiers: MedGen C5679802, MONDO:0016248.
Breast-ovarian cancer, familial, susceptibility to, 3. Also called: RAD51C-Related Breast/Ovarian Cancer. Identifiers: Orphanet 145, MedGen C3150659, MONDO:0013253, OMIM 613399.
Fanconi anemia complementation group O. Also called: RAD51C-Related Fanconi Anemia. Identifiers: Orphanet 84, MedGen C3150653, MONDO:0013248, OMIM 613390.
Hereditary cancer-predisposing syndrome. Also called: Neoplastic Syndromes, Hereditary; Hereditary Cancer Syndrome; Tumor predisposition; Hereditary neoplastic syndrome. Identifiers: Orphanet 140162, MedGen C0027672, MeSH D009386, MONDO:0015356.
Hereditary breast ovarian cancer syndrome. Also called: BRCA1- and BRCA2-Associated Hereditary Breast and Ovarian Cancer; Hereditary breast and ovarian cancer syndrome; Hereditary breast and ovarian cancer syndrome (HBOC); Hereditary breast and/or ovarian cancer syndrome; Hereditary breast and ovarian cancer; Breast and ovarian cancer. Identifiers: Orphanet 145, MedGen C0677776, MeSH D061325, MONDO:0003582. Disease mechanism: loss of function.

Allele frequency attached by ClinVar (database versions not stated): ExAC 0.00004; gnomAD 0.00006 and 0.00005; TOPMed 0.00006; gnomAD exomes 0.00011 and 0.00004.
gnomAD v4.1: 166 of 1,614,102 alleles (0.01%); highest among the groups gnomAD compares: Non-Finnish European, 0.013%; no homozygotes.

Submissions 1 to 14 of 20:

Labcorp Genetics (formerly Invitae), Labcorp
Classification: Uncertain significance for Fanconi anemia complementation group O. Last evaluated: 2026-01-30. Review status: criteria provided, single submitter. Criteria: Invitae Variant Classification Sherloc (09022015). Collection method: clinical testing. Allele origin: germline.
Comment: This sequence change replaces glutamine, which is neutral and polar, with arginine, which is basic and polar, at codon 143 of the RAD51C protein (p.Gln143Arg). This variant is present in population databases (rs587780255, gnomAD 0.008%). This missense change has been observed in individual(s) with breast or ovarian cancer (PMID: 21537932, 22451500, 22538716, 26720728, 26740214, 26976419). ClinVar contains an entry for this variant (Variation ID: 128205). Invitae Evidence Modeling of protein sequence and biophysical properties (such as structural, functional, and spatial information, amino acid conservation, physicochemical variation, residue mobility, and thermodynamic stability) indicates that this missense variant is not expected to disrupt RAD51C protein function with a negative predictive value of 80%. Experimental studies have shown that this missense change affects RAD51C function (PMID: 22451500, 25292178). In summary, the available evidence is currently insufficient to determine the role of this variant in disease. Therefore, it has been classified as a Variant of Uncertain Significance.

Center for Genomic Medicine, Rigshospitalet, Copenhagen University Hospital
Classification: Uncertain significance. Last evaluated: 2025-12-29. Review status: criteria provided, single submitter. Criteria: ACMG Guidelines, 2015. Collection method: clinical testing. Allele origin: germline.

Ambry Genetics
Classification: Uncertain significance for Hereditary cancer-predisposing syndrome. Last evaluated: 2025-12-18. Review status: criteria provided, single submitter. Criteria: Ambry Variant Classification Scheme 2023. Collection method: clinical testing. Allele origin: germline.
Comment: The p.Q143R variant (also known as c.428A>G), located in coding exon 3 of the RAD51C gene, results from an A to G substitution at nucleotide position 428. The glutamine at codon 143 is replaced by arginine, an amino acid with highly similar properties. This variant has been detected in 2/6237 ovarian cancer patients and 1/5084 healthy control individuals across multiple studies (Loveday C et al. Nat. Genet. 2012 May;44:475-6; Song H et al. J. Clin. Oncol. 2015 Sep;33:2901-7). In another study, this variant was reported in 0.07% (4/ 5,734) hereditary breast and ovarian cancer families and 0.02% (3/4,382) cancer-free female controls (Lim BWX et al. NPJ Breast Cancer, 2022 Jan;8:10). Further, this variant has been detected in multiple breast cancer patients (Romero A et al. Breast Cancer Res. Treat. 2011 Oct;129:939-46; J&oslash;nson L et al. Breast Cancer Res. Treat. 2016 Jan;155:215-22; Tung N et al. J. Clin. Oncol. 2016 May;34:1460-8). Studies testing RAD51C function are equivocal about this variants ability to support homology directed repair (HDR) (Osorio A et al. Hum. Mol. Genet. 2012 Jul;21:2889-98; Prakash R et al. Proc Natl Acad Sci U S A, 2022 Sep;119:e2202727119; Hu C et al. Cancer Res, 2023 Aug;83:2557-2571; Olvera-Le&oacute;n R et al. Cell, 2024 Oct;187:5719-5734.e19). This amino acid position is highly conserved in available vertebrate species. In addition, this alteration is predicted to be deleterious by in silico analysis. Based on the available evidence, the clinical significance of this variant remains unclear.

Color Diagnostics, LLC DBA Color Health
Classification: Likely benign for Hereditary cancer-predisposing syndrome. Last evaluated: 2025-11-24. Review status: criteria provided, single submitter. Criteria: ACMG Guidelines, 2015. Collection method: clinical testing. Allele origin: germline.

Quest Diagnostics Nichols Institute San Juan Capistrano
Classification: Uncertain significance. Last evaluated: 2025-02-18. Review status: criteria provided, single submitter. Criteria: Quest Diagnostics criteria. Collection method: clinical testing. Allele origin: unknown.
Comment: The RAD51C c.428A>G (p.Gln143Arg) variant has been reported in individuals/families with breast and/or ovarian cancer (PMIDs: 21537932 (2011), 22538716 (2012), 24993905 (2014), 26261251 (2015), 26720728 (2016), 26976419 (2016), 26740214 (2016), 27622768 (2017), 31078974 (2019), 35039523 (2022), 33471991 (2021), see also LOVD) and cervical cancer or cervical hyperplasia (PMID: 39440754 (2025)). This variant has also been identified in a reportedly healthy individual (PMID: 26261251 (2015)). Functional studies were conflicting regarding the effect of this variant on RAD51C protein function and further research is necessary (PMIDs: 22451500 (2012), 25292178 (2015), 36099300 (2022), 35039523 (2022), 37253112 (2023)). The frequency of this variant in the general population (Genome Aggregation Database) is uninformative in the assessment of its pathogenicity. Based on the available information, we are unable to determine the clinical significance of this variant.

Myriad Genetics, Inc.
Classification: Likely benign for Breast-ovarian cancer, familial, susceptibility to, 3. Last evaluated: 2025-02-10. Review status: criteria provided, single submitter. Criteria: Myriad Autosomal Dominant, Autosomal Recessive and X-Linked Classification Criteria (2023). Collection method: clinical testing. Allele origin: unknown.
Comment: This variant is considered likely benign. This variant is strongly associated with less severe personal and family histories of cancer, typical for individuals without pathogenic variants in this gene [PMID: 25085752].

Department of Clinical Genetics, Copenhagen University Hospital, Rigshospitalet
Classification: Uncertain significance for Hereditary cancer-predisposing syndrome. Last evaluated: 2025-02-04. Review status: criteria provided, single submitter. Criteria: ACMG Guidelines, 2015. Collection method: clinical testing. Allele origin: germline.
Comment: PP3; PS3_SUP

Molecular Pathology, Peter Maccallum Cancer Centre
Classification: Uncertain significance for Familial ovarian cancer. Last evaluated: 2024-12-19. Review status: criteria provided, single submitter. Criteria: ACMG Guidelines, 2015. Collection method: clinical testing. Allele origin: germline. Inheritance: Autosomal dominant inheritance.

GeneDx
Classification: Uncertain significance. Last evaluated: 2024-12-17. Review status: criteria provided, single submitter. Criteria: GeneDx Variant Classification Process June 2021. Collection method: clinical testing. Allele origin: germline. Affected: yes.
Comment: In silico analysis supports that this missense variant has a deleterious effect on protein structure/function; This variant is associated with the following publications: (PMID: 25086635, 26740214, 27622768, 28829762, 28873162, 24993905, 24800917, 25154786, 25470109, 22538716, 26261251, 25292178, 21537932, 22451500, 26720728, 26976419, 23117857, 29409816, 29522266, 29641532, 32008151, 36099300, 33359728, 35039523, 37253112, 36977404, 14704354)

German Consortium for Hereditary Breast and Ovarian Cancer, University Hospital Cologne
Classification: Uncertain significance for Hereditary breast ovarian cancer syndrome. Last evaluated: 2024-07-09. Review status: criteria provided, single submitter. Criteria: ACMG Guidelines, 2015. Collection method: curation. Allele origin: germline.
Comment: According to the ACMG SVI adaptation criteria we chose these criteria: PP3 (supporting pathogenic): REVEL 0.686, BS3 (supporting benign): Functional studies were inconclusive regarding the effect of this variant on RAD51C protein function (PMIDs: 22451500 (2012), 25292178 (2015), 36099300 (2022), 35039523 (2022) - ABER: 37253112 (2023) HRD: Neutral - BS3_mod

Baylor Genetics
Classification: Uncertain significance for Breast-ovarian cancer, familial, susceptibility to, 3. Last evaluated: 2024-03-27. Review status: criteria provided, single submitter. Criteria: ACMG Guidelines, 2015. Collection method: clinical testing. Allele origin: unknown.

Fulgent Genetics
Classification: Uncertain significance for Fanconi anemia complementation group O; Breast-ovarian cancer, familial, susceptibility to, 3. Last evaluated: 2024-02-16. Review status: criteria provided, single submitter. Criteria: ACMG Guidelines, 2015. Collection method: clinical testing. Allele origin: germline.

Blueprint Genetics
Classification: Uncertain significance. Last evaluated: 2024-02-05. Review status: criteria provided, single submitter. Criteria: ACMG Guidelines, 2015. Collection method: clinical testing. Allele origin: germline.

Dr. med. U. Finckh, Human Genetics, Eurofins MVZ
Classification: Uncertain significance for Breast-ovarian cancer, familial, susceptibility to, 3. Last evaluated: 2023-09-01. Review status: criteria provided, single submitter. Criteria: ACMG Guidelines, 2015. Collection method: clinical testing. Allele origin: unknown. Observed: 1 heterozygote.